The following is an entry in ClinVar:

ClinVar aggregate classification (germline): Uncertain significance (1 of 4 stars; one submission).

Conditions:
Short-rib thoracic dysplasia 10 with or without polydactyly (SRTD10). Identifiers: Orphanet 474, MedGen C3810175, MONDO:0014284, OMIM 615630.
Retinitis pigmentosa 71 (RP71). Identifiers: Orphanet 791, MedGen C4225342, MONDO:0014618, OMIM 616394.

Submission:

Labcorp Genetics (formerly Invitae), Labcorp
Classification: Uncertain significance for Retinitis pigmentosa 71; Short-rib thoracic dysplasia 10 with or without polydactyly. Last evaluated: 2022-10-04. Review status: criteria provided, single submitter. Criteria: Invitae Variant Classification Sherloc (09022015). Collection method: clinical testing. Allele origin: germline.
Comment: In summary, the available evidence is currently insufficient to determine the role of this variant in disease. Therefore, it has been classified as a Variant of Uncertain Significance. Advanced modeling of protein sequence and biophysical properties (such as structural, functional, and spatial information, amino acid conservation, physicochemical variation, residue mobility, and thermodynamic stability) performed at Invitae indicates that this missense variant is not expected to disrupt IFT172 protein function. This variant has not been reported in the literature in individuals affected with IFT172-related conditions. This variant is not present in population databases (gnomAD no frequency). This sequence change replaces glutamic acid, which is acidic and polar, with alanine, which is neutral and non-polar, at codon 571 of the IFT172 protein (p.Glu571Ala).

NM_015662.3(IFT172):c.1712A>C (p.Glu571Ala)

Gene: IFT172 (intraflagellar transport 172; minus strand). Cytogenetic location: 2p23.3.
Variant type: single nucleotide variant.
Coding change: c.1712A>C on transcript NM_015662.3 (MANE Select); coding-DNA position 1712, A replaced by C.
Protein change: p.Glu571Ala; replaces glutamic acid 571 with alanine.
Molecular consequence: missense variant.
Genome position (GRCh38, 1-based): chr2:27,465,863, T>G on the plus strand (A>C on the coding strand, the complement: IFT172 is on the minus strand). VCF-style: chr2-27465863-T-G. GRCh37 (hg19) VCF-style: chr2-27688730-T-G.
Other names: c.1646A>C, p.Glu549Ala (NM_001410739.1); short protein forms E549A, E571A.
Identifiers: ClinVar variation 2110426 (VCV002110426.3), dbSNP rs2465907004, ClinGen allele CA346387473.
Genomic context (GRCh38, chr2:27,465,863, plus strand): 5'-GTGTAGGCAACAGTAGTCACACCTTCCATCACCATCACCTCGGTCTTTCCCCCGCCCCGC[T>G]CCAGACCTATAACATCACCCTGTAAAAGTTTATCCCCCAACCCACCCCAATTTCAGGTTA-3'
Protein context (NP_056477.1, residues 561-581): FTIRGDVIGL[Glu571Ala]RGGGKTEVMV